The following is an entry in ClinVar:

ClinVar aggregate classification (germline): Uncertain significance (1 of 4 stars; one submission).

Conditions:
Exostoses, multiple, type 2 (EXT2). Also called: EXOSTOSES, MULTIPLE, TYPE II; Hereditary Multiple Osteochondromatosis, Type II. Identifiers: Orphanet 321, MedGen C1851413, MONDO:0007586, OMIM 133701.

Allele frequency attached by ClinVar (database versions not stated): gnomAD exomes below 0.00001; TOPMed below 0.00001; gnomAD 0.00001.
gnomAD v4.1: 5 of 1,613,910 alleles (0.00031%); highest among the groups gnomAD compares: South Asian, 0.0011%; no homozygotes.

Submission:

Labcorp Genetics (formerly Invitae), Labcorp
Classification: Uncertain significance for Exostoses, multiple, type 2. Last evaluated: 2020-05-03. Review status: criteria provided, single submitter. Criteria: Invitae Variant Classification Sherloc (09022015). Collection method: clinical testing. Allele origin: germline.
Comment: In summary, the available evidence is currently insufficient to determine the role of this variant in disease. Therefore, it has been classified as a Variant of Uncertain Significance. Algorithms developed to predict the effect of missense changes on protein structure and function are either unavailable or do not agree on the potential impact of this missense change (SIFT: "Deleterious"; PolyPhen-2: "Probably Damaging"; Align-GVGD: "Class C0"). This variant has not been reported in the literature in individuals with EXT2-related conditions. This variant is not present in population databases (ExAC no frequency). This sequence change replaces tryptophan with cysteine at codon 429 of the EXT2 protein (p.Trp429Cys). The tryptophan residue is highly conserved and there is a large physicochemical difference between tryptophan and cysteine.

NM_207122.2(EXT2):c.1287G>T (p.Trp429Cys)

Gene: EXT2 (exostosin glycosyltransferase 2; plus strand). Cytogenetic location: 11p11.2.
Variant type: single nucleotide variant.
Coding change: c.1287G>T on transcript NM_207122.2 (MANE Select); coding-DNA position 1287, G replaced by T.
Protein change: p.Trp429Cys; replaces tryptophan 429 with cysteine.
Molecular consequence: missense variant.
Genome position (GRCh38, 1-based): chr11:44,171,724, G>T. VCF-style: chr11-44171724-G-T. GRCh37 (hg19) VCF-style: chr11-44193274-G-T.
Other names: c.1386G>T, p.Trp462Cys (NM_000401.3); c.1317G>T, p.Trp439Cys (NM_001178083.3); short protein forms W429C, W439C, W462C.
Identifiers: ClinVar variation 1037143 (VCV001037143.9), dbSNP rs1403873034, ClinGen allele CA380175642.